The following is an entry in ClinVar:

NM_001199397.3(NEK1):c.3283C>G (p.Pro1095Ala)

Gene: NEK1 (NIMA related kinase 1; minus strand). Cytogenetic location: 4q33.
Variant type: single nucleotide variant.
Coding change: c.3283C>G on transcript NM_001199397.3 (MANE Select); coding-DNA position 3283, C replaced by G.
Protein change: p.Pro1095Ala; replaces proline 1095 with alanine.
Molecular consequence: missense variant. On other transcripts: non-coding transcript variant (1).
Genome position (GRCh38, 1-based): chr4:169,406,687, G>C on the plus strand (C>G on the coding strand, the complement: NEK1 is on the minus strand). VCF-style: chr4-169406687-G-C. GRCh37 (hg19) VCF-style: chr4-170327838-G-C.
Other names: c.3151C>G, p.Pro1051Ala (NM_001199398.3); c.2992C>G, p.Pro998Ala (NM_001199399.3); c.3067C>G, p.Pro1023Ala (NM_001199400.3); c.3283C>G, p.Pro1095Ala (NM_001374418.1); c.3199C>G, p.Pro1067Ala (NM_001374419.1, NM_012224.4); c.3148C>G, p.Pro1050Ala (NM_001374420.1); c.2800C>G, p.Pro934Ala (NM_001374421.1); short protein forms P1051A, P1067A, P998A, P1050A, P1095A, P934A, P1023A.
Identifiers: ClinVar variation 2133153 (VCV002133153.4), dbSNP rs2477699320, ClinGen allele CA358800955.
Genomic context (GRCh38, chr4:169,406,687, plus strand): 5'-TGTTTTCATCTTCAATTTCATCTATTTCAAGATTGTCTTGACGAACATCTCCTACGGTGG[G>C]AACATCCATAAGGGTTCTGAACAGCTTTGAGAGATCTGGAAGTGAACATGTCCTTAACAT-3'
Protein context (NP_001186326.1, residues 1085-1105): SKLFRTLMDV[Pro1095Ala]TVGDVRQDNL

ClinVar aggregate classification (germline): Uncertain significance (1 of 4 stars; one submission).

Conditions:
Short-rib thoracic dysplasia 6 with or without polydactyly (SRTD6). Also called: POLYDACTYLY WITH NEONATAL CHONDRODYSTROPHY, TYPE II; SHORT RIB-POLYDACTYLY SYNDROME, TYPE IIA; Majewski Syndrome; SHORT-RIB THORACIC DYSPLASIA 6 WITH POLYDACTYLY; SHORT-RIB THORACIC DYSPLASIA 6 WITHOUT POLYDACTYLY. Identifiers: MedGen C0024507, MONDO:0009894, OMIM 263520.

Allele frequency attached by ClinVar (database versions not stated): gnomAD exomes below 0.00001.
gnomAD v4.1: 1 of 1,609,920 alleles (0.000062%); highest among the groups gnomAD compares: Non-Finnish European, 0.000085%; no homozygotes.

Submission:

Labcorp Genetics (formerly Invitae), Labcorp
Classification: Uncertain significance for Short-rib thoracic dysplasia 6 with or without polydactyly. Last evaluated: 2022-09-12. Review status: criteria provided, single submitter. Criteria: Invitae Variant Classification Sherloc (09022015). Collection method: clinical testing. Allele origin: germline.
Comment: In summary, the available evidence is currently insufficient to determine the role of this variant in disease. Therefore, it has been classified as a Variant of Uncertain Significance. Algorithms developed to predict the effect of sequence changes on RNA splicing suggest that this variant may disrupt the consensus splice site. Advanced modeling of protein sequence and biophysical properties (such as structural, functional, and spatial information, amino acid conservation, physicochemical variation, residue mobility, and thermodynamic stability) performed at Invitae indicates that this missense variant is not expected to disrupt NEK1 protein function. This variant has not been reported in the literature in individuals affected with NEK1-related conditions. This variant is not present in population databases (gnomAD no frequency). This sequence change replaces proline, which is neutral and non-polar, with alanine, which is neutral and non-polar, at codon 1067 of the NEK1 protein (p.Pro1067Ala).